The following is an entry in ClinVar:

NM_002979.5(SCP2):c.151C>T (p.Gln51Ter)

Gene: SCP2 (sterol carrier protein 2; plus strand). Cytogenetic location: 1p32.3.
Variant type: single nucleotide variant.
Coding change: c.151C>T on transcript NM_002979.5 (MANE Select); coding-DNA position 151, C replaced by T.
Protein change: p.Gln51Ter; replaces glutamine 51 with a stop codon.
Molecular consequence: nonsense. On other transcripts: 5 prime UTR variant (1), intron variant (1).
Genome position (GRCh38, 1-based): chr1:52,948,032, C>T. VCF-style: chr1-52948032-C-T. GRCh37 (hg19) VCF-style: chr1-53413704-C-T.
Other names: c.151C>T, p.Gln51Ter (NM_001007098.3, NM_001193600.2, NM_001330587.2); c.-93C>T (NM_001193617.2); c.128-2723C>T (NM_001193599.2); short protein forms Q51*.
Identifiers: ClinVar variation 2761715 (VCV002761715.3), dbSNP rs1316356500, ClinGen allele CA340386116.

ClinVar aggregate classification (germline): Pathogenic (1 of 4 stars; one submission).

Allele frequency attached by ClinVar (database versions not stated): TOPMed 0.00001.

Submission:

Labcorp Genetics (formerly Invitae), Labcorp
Classification: Pathogenic. Last evaluated: 2023-06-11. Review status: criteria provided, single submitter. Criteria: Invitae Variant Classification Sherloc (09022015). Collection method: clinical testing. Allele origin: germline.
Comment: For these reasons, this variant has been classified as Pathogenic. This variant has not been reported in the literature in individuals affected with SCP2-related conditions. This variant is not present in population databases (gnomAD no frequency). This sequence change creates a premature translational stop signal (p.Gln51*) in the SCP2 gene. It is expected to result in an absent or disrupted protein product. Loss-of-function variants in SCP2 are known to be pathogenic (PMID: 16685654, 26497993).

Literature cited by the submitters: PubMed 16685654; PubMed 26497993.